The following is an entry in ClinVar:

NM_016580.4(PCDH12):c.2238C>A (p.Asp746Glu)

Genes: PCDH12 (protocadherin 12; minus strand), RNF14 (ring finger protein 14; plus strand). Cytogenetic location: 5q31.3.
Variant type: single nucleotide variant.
Coding change: c.2238C>A on transcript NM_016580.4 (MANE Select); coding-DNA position 2238, C replaced by A.
Protein change: p.Asp746Glu; replaces aspartic acid 746 with glutamic acid.
Molecular consequence: missense variant.
Genome position (GRCh38, 1-based): chr5:141,955,614, G>T on the plus strand (C>A on the coding strand, the complement: PCDH12 is on the minus strand). VCF-style: chr5-141955614-G-T. GRCh37 (hg19) VCF-style: chr5-141335179-G-T.
Other names: short protein forms D746E.
Identifiers: ClinVar variation 1927549 (VCV001927549.2), dbSNP rs374855332, ClinGen allele CA128479638.

ClinVar aggregate classification (germline): Uncertain significance (1 of 4 stars; one submission).

Allele frequency attached by ClinVar (database versions not stated): ESP Exome Variant Server 0.00008; gnomAD 0.00008; 1000 Genomes Project 30x 0.00016; 1000 Genomes Project 0.00020.
gnomAD v4.1: 17 of 1,614,112 alleles (0.0011%); highest among the groups gnomAD compares: African/African-American, 0.019%; no homozygotes.

Submission:

Labcorp Genetics (formerly Invitae), Labcorp
Classification: Uncertain significance. Last evaluated: 2022-06-16. Review status: criteria provided, single submitter. Criteria: Invitae Variant Classification Sherloc (09022015). Collection method: clinical testing. Allele origin: germline.
Comment: This sequence change replaces aspartic acid, which is acidic and polar, with glutamic acid, which is acidic and polar, at codon 746 of the PCDH12 protein (p.Asp746Glu). This variant is present in population databases (rs374855332, gnomAD 0.03%). This variant has not been reported in the literature in individuals affected with PCDH12-related conditions. Advanced modeling of protein sequence and biophysical properties (such as structural, functional, and spatial information, amino acid conservation, physicochemical variation, residue mobility, and thermodynamic stability) performed at Invitae indicates that this missense variant is not expected to disrupt PCDH12 protein function. In summary, the available evidence is currently insufficient to determine the role of this variant in disease. Therefore, it has been classified as a Variant of Uncertain Significance.